The following is an entry in ClinVar:

NM_025179.4(PLXNA2):c.3139G>A (p.Glu1047Lys)

Gene: PLXNA2 (plexin A2; minus strand). Cytogenetic location: 1q32.2.
Variant type: single nucleotide variant.
Coding change: c.3139G>A on transcript NM_025179.4 (MANE Select); coding-DNA position 3139, G replaced by A.
Protein change: p.Glu1047Lys; replaces glutamic acid 1047 with lysine.
Molecular consequence: missense variant.
Genome position (GRCh38, 1-based): chr1:208,051,278, C>T on the plus strand (G>A on the coding strand, the complement: PLXNA2 is on the minus strand). VCF-style: chr1-208051278-C-T. GRCh37 (hg19) VCF-style: chr1-208224623-C-T.
Other names: short protein forms E1047K.
Identifiers: ClinVar variation 3351179 (VCV003351179.1).

ClinVar aggregate classification (germline): Uncertain significance (0 of 4 stars; one submission).

Conditions:
PLXNA2-related disorder. Also called: PLXNA2-related condition.

gnomAD v4.1: 6 of 1,611,142 alleles (0.00037%); highest among the groups gnomAD compares: Non-Finnish European, 0.00042%; no homozygotes.

Submission:

PreventionGenetics, part of Exact Sciences
Classification: Uncertain significance for PLXNA2-related condition. Last evaluated: 2024-05-31. Review status: no assertion criteria provided. Collection method: clinical testing. Allele origin: germline.
Comment: The PLXNA2 c.3139G>A variant is predicted to result in the amino acid substitution p.Glu1047Lys. To our knowledge, this variant has not been reported in the literature. This variant is reported in 0.0016% of alleles in individuals of European (Non-Finnish) descent in gnomAD. At this time, the clinical significance of this variant is uncertain due to the absence of conclusive functional and genetic evidence.